The following is an entry in ClinVar:

ClinVar aggregate classification (germline): Uncertain significance (1 of 4 stars; one submission).

Allele frequency attached by ClinVar (database versions not stated): gnomAD exomes below 0.00001; gnomAD 0.00001; TOPMed below 0.00001.
gnomAD v4.1: 4 of 1,485,174 alleles (0.00027%); highest among the groups gnomAD compares: South Asian, 0.0013%; no homozygotes.

Submission:

CeGaT Center for Human Genetics Tuebingen
Classification: Uncertain significance. Last evaluated: 2022-10-01. Review status: criteria provided, single submitter. Criteria: CeGaT Center For Human Genetics Tuebingen Variant Classification Criteria Version 2. Collection method: clinical testing. Allele origin: germline. Affected: yes. Observed: 1 variant allele.
Comment: TYMP: PM2, PP3

NM_001953.5(TYMP):c.1165G>A (p.Val389Met)

Genes: SCO2 (synthesis of cytochrome C oxidase 2; minus strand), TYMP (thymidine phosphorylase; minus strand), LOC130067862 (ATAC-STARR-seq lymphoblastoid silent region 13986; plus strand). Cytogenetic location: 22q13.33.
Variant type: single nucleotide variant.
Coding change: c.1165G>A on transcript NM_001953.5 (MANE Select); coding-DNA position 1165, G replaced by A.
Protein change: p.Val389Met; replaces valine 389 with methionine.
Molecular consequence: missense variant. On other transcripts: 5 prime UTR variant (1), intron variant (1).
Genome position (GRCh38, 1-based): chr22:50,526,136, C>T on the plus strand (G>A on the coding strand, the complement: TYMP is on the minus strand). VCF-style: chr22-50526136-C-T. GRCh37 (hg19) VCF-style: chr22-50964565-C-T.
Other names: c.1165G>A, p.Val389Met (NM_001113755.3, NM_001113756.3, NM_001257988.1); c.1180G>A, p.Val394Met (NM_001257989.1); c.-149G>A (NM_001169110.1); c.-14+110G>A (NM_001169109.2); short protein forms V389M, V394M.
Identifiers: ClinVar variation 2653401 (VCV002653401.22), dbSNP rs1445298085, ClinGen allele CA412197130.
Genomic context (GRCh38, chr22:50,526,136, plus strand): 5'-TGCGCCCGGCCCCGAGCTCGTGCAGCACCAGCGCCAGCGGCAGCGCCCGGACCAGCTCCA[C>T]GGTGCCTGCGGGGAGAGGGGCTGAGAGGCGCGGGCTCGGGAAGGGGCGGGGCCTCGGGAA-3'
Protein context (NP_001944.1, residues 379-399): EELLAPADGT[Val389Met]ELVRALPLAL